The following is an entry in ClinVar:

ClinVar aggregate classification (germline): Uncertain significance. Review status: criteria provided, multiple submitters, no conflicts (2 of 4 stars). 2 submissions from 2 submitters: Uncertain significance (2). Last evaluated 2024-03-14.

Conditions:
Inborn genetic diseases. Identifiers: MedGen C0950123, MeSH D030342.

Submissions (2):

Ambry Genetics
Classification: Uncertain significance for Inborn genetic diseases. Last evaluated: 2024-03-14. Review status: criteria provided, single submitter. Criteria: Ambry Variant Classification Scheme 2023. Collection method: clinical testing. Allele origin: germline.
Comment: The p.M599V variant (also known as c.1795A>G), located in coding exon 11 of the PIK3CA gene, results from an A to G substitution at nucleotide position 1795. The methionine at codon 599 is replaced by valine, an amino acid with highly similar properties. This amino acid position is conserved. In addition, this alteration is predicted to be deleterious by in silico analysis. Based on the available evidence, the clinical significance of this alteration remains unclear.

CeGaT Center for Human Genetics Tuebingen
Classification: Uncertain significance. Last evaluated: 2023-02-01. Review status: criteria provided, single submitter. Criteria: CeGaT Center For Human Genetics Tuebingen Variant Classification Criteria Version 2. Collection method: clinical testing. Allele origin: germline. Affected: yes. Observed: 1 variant allele.
Comment: PIK3CA: PM2, PP2

NM_006218.4(PIK3CA):c.1795A>G (p.Met599Val)

Gene: PIK3CA (phosphatidylinositol-4,5-bisphosphate 3-kinase catalytic subunit alpha; plus strand). Cytogenetic location: 3q26.32.
Variant type: single nucleotide variant.
Coding change: c.1795A>G on transcript NM_006218.4 (MANE Select); coding-DNA position 1795, A replaced by G.
Protein change: p.Met599Val; replaces methionine 599 with valine.
Molecular consequence: missense variant.
Genome position (GRCh38, 1-based): chr3:179,219,619, A>G. VCF-style: chr3-179219619-A-G. GRCh37 (hg19) VCF-style: chr3-178937407-A-G.
Other names: short protein forms M599V.
Identifiers: ClinVar variation 2654287 (VCV002654287.25), dbSNP rs2108410793, ClinGen allele CA355266110.